The following is an entry in ClinVar:

ClinVar aggregate classification (germline): Likely pathogenic (1 of 4 stars; one submission).

Conditions:
Microcephaly 18, primary, autosomal dominant (MCPH18). Identifiers: MedGen C4479608, MONDO:0054593, OMIM 617520.

Submission:

Laboratorio de Genetica e Diagnostico Molecular, Hospital Israelita Albert Einstein
Classification: Likely pathogenic for Microcephaly 18, primary, autosomal dominant. Last evaluated: 2024-01-31. Review status: criteria provided, single submitter. Criteria: ACMG Guidelines, 2015. Collection method: clinical testing. Allele origin: germline. Affected: yes.
Comment: ACMG classification criteria: PVS1 very strong, PM2 supporting

NM_014991.6(WDFY3):c.7987dup (p.Thr2663fs)

Gene: WDFY3 (WD repeat and FYVE domain containing 3; minus strand). Cytogenetic location: 4q21.23.
Variant type: Duplication.
Coding change: c.7987dup on transcript NM_014991.6 (MANE Select); coding-DNA position 7987, one base duplicated (A; older notation c.7987dupA).
Protein change: p.Thr2663fs; shifts the reading frame from threonine 2663.
Molecular consequence: frameshift variant.
Genome position (GRCh38, 1-based): chr4:84,713,214, T duplicated on the plus strand (A on the coding strand, the reverse complement: WDFY3 is on the minus strand); the first of 2 consecutive T bases (chr4:84,713,214-84,713,215); duplicating either gives the same sequence. VCF-style (leftmost placement, unchanged base first): chr4-84713213-G-GT. GRCh37 (hg19) VCF-style: chr4-85634366-G-GT.
Other names: short protein forms T2663fs.
Identifiers: ClinVar variation 4076317 (VCV004076317.1).